The following is an entry in ClinVar:

ClinVar aggregate classification (germline): Likely benign. Review status: criteria provided, multiple submitters, no conflicts (2 of 4 stars). 3 submissions from 3 submitters: Likely benign (3). Last evaluated 2026-03-26.

Conditions:
RPGRIP1L-related disorder. Also called: RPGRIP1L-related condition; RPGRIP1L-related disorders. Identifiers: MedGen CN239416.
Meckel-Gruber syndrome. Also called: DYSENCEPHALIA SPLANCHNOCYSTICA; Dysencephalia splachnocystica; GRUBER SYNDROME. Identifiers: Orphanet 564, MedGen C0265215, MONDO:0018921.
Joubert syndrome. Also called: Familial aplasia of the vermis; JOUBERT-BOLTSHAUSER SYNDROME. Identifiers: Orphanet 475, MedGen C5979921, MONDO:0018772.

Allele frequency attached by ClinVar (database versions not stated): ExAC 0.00001; gnomAD exomes 0.00001; TOPMed 0.00002; gnomAD 0.00006; 1000 Genomes Project 30x 0.00016; 1000 Genomes Project 0.00020.
gnomAD v4.1: 23 of 1,579,322 alleles (0.0015%); highest among the groups gnomAD compares: African/African-American, 0.024%; no homozygotes.

Submissions (3):

PreventionGenetics, part of Exact Sciences
Classification: Likely benign for RPGRIP1L-related condition. Last evaluated: 2026-03-26. Review status: criteria provided, single submitter. Criteria: ACMG Guidelines, 2015. Collection method: clinical testing. Allele origin: germline.
Comment: This variant is classified as likely benign based on ACMG/AMP sequence variant interpretation guidelines (Richards et al. 2015 PMID: 25741868, with internal and published modifications).

Labcorp Genetics (formerly Invitae), Labcorp
Classification: Likely benign for Joubert syndrome; Meckel-Gruber syndrome. Last evaluated: 2026-01-20. Review status: criteria provided, single submitter. Criteria: Invitae Variant Classification Sherloc (09022015). Collection method: clinical testing. Allele origin: germline.

Blueprint Genetics
Classification: Likely benign. Last evaluated: 2021-09-27. Review status: criteria provided, single submitter. Criteria: ACMG Guidelines, 2015. Collection method: clinical testing. Allele origin: germline.

NM_015272.5(RPGRIP1L):c.1071T>A (p.Leu357=)

Gene: RPGRIP1L (RPGRIP1 like; minus strand). Cytogenetic location: 16q12.2.
Variant type: single nucleotide variant.
Coding change: c.1071T>A on transcript NM_015272.5 (MANE Select); coding-DNA position 1071, T replaced by A.
Protein change: p.Leu357=; no amino-acid change (leucine 357 retained).
Molecular consequence: synonymous variant.
Genome position (GRCh38, 1-based): chr16:53,671,542, A>T on the plus strand (T>A on the coding strand, the complement: RPGRIP1L is on the minus strand). VCF-style: chr16-53671542-A-T. GRCh37 (hg19) VCF-style: chr16-53705454-A-T.
Other names: c.1071T>A (NM_015272.4); c.1071T>A, p.Leu357= (NM_001127897.4, NM_001308334.3, NM_001330538.2).
Identifiers: ClinVar variation 1139600 (VCV001139600.11), dbSNP rs549925964, ClinGen allele CA8057933.